The following is an entry in ClinVar:

ClinVar aggregate classification (germline): Uncertain significance. Review status: criteria provided, multiple submitters, no conflicts (2 of 4 stars). 3 submissions from 3 submitters: Uncertain significance (3). Last evaluated 2024-01-22.

Conditions:
SAMD11-related disorder. Also called: SAMD11-related condition.

Allele frequency attached by ClinVar (database versions not stated): gnomAD 0.00020; gnomAD exomes 0.00024 and 0.00033; ExAC 0.00038; ESP Exome Variant Server 0.04442.

Submissions (3):

Labcorp Genetics (formerly Invitae), Labcorp
Classification: Uncertain significance. Last evaluated: 2024-01-22. Review status: criteria provided, single submitter. Criteria: Invitae Variant Classification Sherloc (09022015). Collection method: clinical testing. Allele origin: germline.
Comment: This sequence change creates a premature translational stop signal (p.Pro228Leufs*227) in the SAMD11 gene. It is expected to result in an absent or disrupted protein product. However, the current clinical and genetic evidence is not sufficient to establish whether loss-of-function variants in SAMD11 cause disease. This variant is present in population databases (rs200996316, gnomAD 0.05%). This variant has not been reported in the literature in individuals affected with SAMD11-related conditions. ClinVar contains an entry for this variant (Variation ID: 1404104). In summary, the available evidence is currently insufficient to determine the role of this variant in disease. Therefore, it has been classified as a Variant of Uncertain Significance.

Department of Pathology and Laboratory Medicine, Sinai Health System
Classification: Uncertain significance for SAMD11-related disorder. Last evaluated: 2022-11-19. Review status: criteria provided, single submitter. Criteria: ACMG Guidelines, 2015. Collection method: research. Allele origin: germline.

Breakthrough Genomics
Classification: Uncertain significance. Review status: criteria provided, single submitter. Criteria: ACMG Guidelines, 2015. Collection method: not provided. Allele origin: germline. Inheritance: Unknown mechanism. Affected: yes.

NM_001385641.1(SAMD11):c.1195+24_1195+25insT

Gene: SAMD11 (sterile alpha motif domain containing 11; plus strand). Cytogenetic location: 1p36.33.
Variant type: Insertion.
Coding change: c.1195+24_1195+25insT on transcript NM_001385641.1 (MANE Select); bases 24 to 25 of the intron after coding-DNA position 1195, T inserted.
Molecular consequence: intron variant. On other transcripts: frameshift variant (1).
Genome position: GRCh38 VCF-style: chr1-939436-C-CT. GRCh37 (hg19) VCF-style: chr1-874816-C-CT.
Other names: c.682_683insT, p.Pro228fs (NM_152486.4); c.1198+24_1198+25insT (NM_001385640.1); short protein forms P228fs.
Identifiers: ClinVar variation 1404104 (VCV001404104.6), dbSNP rs200996316, ClinGen allele CA502741.